The following is an entry in ClinVar:

NM_138413.4(HOGA1):c.209G>A (p.Arg70Gln)

Gene: HOGA1 (4-hydroxy-2-oxoglutarate aldolase 1; plus strand). Cytogenetic location: 10q24.2.
Variant type: single nucleotide variant.
Coding change: c.209G>A on transcript NM_138413.4 (MANE Select); coding-DNA position 209, G replaced by A.
Protein change: p.Arg70Gln; replaces arginine 70 with glutamine.
Molecular consequence: missense variant.
Genome position (GRCh38, 1-based): chr10:97,584,912, G>A. VCF-style: chr10-97584912-G-A. GRCh37 (hg19) VCF-style: chr10-99344669-G-A.
Other names: c.209G>A, p.Arg70Gln (NM_001134670.2); short protein forms R70Q.
Identifiers: ClinVar variation 2375402 (VCV002375402.3), dbSNP rs267606763, ClinGen allele CA212658836.
Genomic context (GRCh38, chr10:97,584,912, plus strand): 5'-CAGAGGTGGACTATGGGAAACTGGAGGAGAATCTGCACAAACTGGGCACCTTCCCCTTCC[G>A]AGGTAAGTGGGGCTGTCCTCTGTGGGACCTGGGGAGATGTGAGTGGCCCTTTAGCCAGAG-3'
Protein context (NP_612422.2, residues 60-80): NLHKLGTFPF[Arg70Gln]GFVVQGSNGE

ClinVar aggregate classification (germline): Uncertain significance. Review status: criteria provided, multiple submitters, no conflicts (2 of 4 stars). 2 submissions from 2 submitters: Uncertain significance (2). Last evaluated 2025-09-13.

Conditions:
Inborn genetic diseases. Identifiers: MedGen C0950123, MeSH D030342.
HOGA1-related disorder. Also called: HOGA1-related condition.

Allele frequency attached by ClinVar (database versions not stated): TOPMed 0.00002.
gnomAD v4.1: 19 of 1,613,820 alleles (0.0012%); highest among the groups gnomAD compares: Admixed American, 0.013%; no homozygotes.

Submissions (2):

PreventionGenetics, part of Exact Sciences
Classification: Uncertain significance for HOGA1-related condition. Last evaluated: 2025-09-13. Review status: criteria provided, single submitter. Criteria: ACMG Guidelines, 2015. Collection method: clinical testing. Allele origin: germline.
Comment: The HOGA1 c.209G>A variant is predicted to result in the amino acid substitution p.Arg70Gln. To our knowledge, this variant has not been reported in the literature. An alternate missense change at the same amino acid position (p.Arg70Pro) has been reported in an individual affected with a HOGA1-related disorder (Belostotsky et al. 2010. PubMed ID: 20797690). This variant is reported in 0.0033% of alleles in individuals of South Asian descent in gnomAD. At this time, the clinical significance of this variant is uncertain due to the absence of conclusive functional and genetic evidence.

Ambry Genetics
Classification: Uncertain significance for Inborn genetic diseases. Last evaluated: 2021-06-18. Review status: criteria provided, single submitter. Criteria: Ambry Variant Classification Scheme 2023. Collection method: clinical testing. Allele origin: germline.